The following is an entry in ClinVar:

NM_152564.5(VPS13B):c.7330T>A (p.Ser2444Thr)

Gene: VPS13B (vacuolar protein sorting 13 homolog B; plus strand). Cytogenetic location: 8q22.2.
Variant type: single nucleotide variant.
Coding change: c.7330T>A on transcript NM_152564.5 (MANE Select); coding-DNA position 7330, T replaced by A.
Protein change: p.Ser2444Thr; replaces serine 2444 with threonine.
Molecular consequence: missense variant.
Genome position (GRCh38, 1-based): chr8:99,776,857, T>A. VCF-style: chr8-99776857-T-A. GRCh37 (hg19) VCF-style: chr8-100789085-T-A.
Other names: c.7405T>A, p.Ser2469Thr (NM_017890.5); short protein forms S2469T, S2444T.
Identifiers: ClinVar variation 1449087 (VCV001449087.6), dbSNP rs373779146, ClinGen allele CA371875704.

ClinVar aggregate classification (germline): Uncertain significance (1 of 4 stars; one submission).

Conditions:
Cohen syndrome (COH1). Also called: Cutis verticis gyrata, retinitis pigmentosa, and sensorineural deafness; PEPPER SYNDROME. Identifiers: Orphanet 193, MedGen C0265223, MONDO:0008999, OMIM 216550.

Submission:

Labcorp Genetics (formerly Invitae), Labcorp
Classification: Uncertain significance for Cohen syndrome. Last evaluated: 2021-04-23. Review status: criteria provided, single submitter. Criteria: Invitae Variant Classification Sherloc (09022015). Collection method: clinical testing. Allele origin: germline.
Comment: In summary, the available evidence is currently insufficient to determine the role of this variant in disease. Therefore, it has been classified as a Variant of Uncertain Significance. Algorithms developed to predict the effect of missense changes on protein structure and function are either unavailable or do not agree on the potential impact of this missense change (SIFT: "Tolerated"; PolyPhen-2: "Possibly Damaging"; Align-GVGD: "Class C0"). This variant has not been reported in the literature in individuals with VPS13B-related conditions. This variant is not present in population databases (ExAC no frequency). This sequence change replaces serine with threonine at codon 2469 of the VPS13B protein (p.Ser2469Thr). The serine residue is moderately conserved and there is a small physicochemical difference between serine and threonine.